The following is an entry in ClinVar:

NM_000169.3(GLA):c.666C>A (p.Tyr222Ter)

Genes: GLA (galactosidase alpha; minus strand), RPL36A-HNRNPH2 (RPL36A-HNRNPH2 readthrough; plus strand). Cytogenetic location: Xq22.1.
Variant type: single nucleotide variant.
Coding change: c.666C>A on transcript NM_000169.3 (MANE Select); coding-DNA position 666, C replaced by A.
Protein change: p.Tyr222Ter; replaces tyrosine 222 with a stop codon.
Molecular consequence: nonsense. On other transcripts: non-coding transcript variant (3), intron variant (2).
Genome position (GRCh38, 1-based): chrX:101,398,920, G>T on the plus strand (C>A on the coding strand, the complement: GLA is on the minus strand). VCF-style: chrX-101398920-G-T. GRCh37 (hg19) VCF-style: chrX-100653908-G-T.
Other names: c.789C>A, p.Tyr263Ter (NM_001406747.1); c.666C>A, p.Tyr222Ter (NM_001406748.1); c.300+3463G>T (NM_001199973.2); c.177+7098G>T (NM_001199974.2); short protein forms Y222*, Y263*.
Identifiers: ClinVar variation 10770 (VCV000010770.19), dbSNP rs104894851, ClinGen allele CA021952.
Genomic context (GRCh38, chrX:101,398,920, plus strand): 5'-GATACTCTTTATACTTTTCCAGGAATCATCAATGTCAGCAAAATTTCGCCAGTGATTGCA[G>T]TACTGTCGGATTTCTGTATAATTGGGCTGTGAAAACAGATATGACTCTTCTGTTTACTTT-3'

ClinVar aggregate classification (germline): Pathogenic. Review status: criteria provided, multiple submitters, no conflicts (2 of 4 stars). 5 submissions from 5 submitters: Pathogenic (4). 1 of the submissions does not count toward it. Last evaluated 2026-09-08.

Conditions:
Fabry disease. Also called: Ceramide trihexosidosis; Fabry's disease; CERAMIDE TRIHEXOSIDASE DEFICIENCY; GLA DEFICIENCY; HEREDITARY DYSTOPIC LIPIDOSIS; ALPHA-GALACTOSIDASE A DEFICIENCY. Identifiers: Orphanet 324, MedGen C0002986, MONDO:0010526, OMIM 301500, HP:0001071. Disease mechanism: Fabry disease is due to inactivating mutations in the X-linked GLA gene resulting in deficiency of the enzyme Alpha Galactosidase-A., loss of function.

Allele frequency attached by ClinVar (database versions not stated): gnomAD exomes below 0.00001.
gnomAD v4.1: 1 of 1,207,006 alleles (0.000083%); highest among the groups gnomAD compares: Non-Finnish European, 0.00011%; no homozygotes.

Submissions (5):

Genomenon, Inc
Classification: Pathogenic for Fabry disease. Last evaluated: 2026-09-08. Review status: criteria provided, single submitter. Criteria: Genomenon Sequence Variant Interpretation Standards - Updated. Collection method: curation. Allele origin: germline. Affected: yes.
Comment: GLA p.Tyr222Ter (c.666C>A) is a nonsense variant that introduces a premature stop codon at amino acid position 222 and is predicted to result in a truncated or absent protein product. This variant has been observed in at least one proband with clinical features consistent with Fabry disease (PMID:12694230). Functional or patient cell studies have been reported (PMID:12694230). It is absent or not present at a significant frequency in gnomAD. In conclusion, we classify GLA p.Tyr222Ter (c.666C>A) as a pathogenic variant.

Genome-Nilou Lab
Classification: Pathogenic for Fabry disease. Last evaluated: 2021-07-15. Review status: criteria provided, single submitter. Criteria: ACMG Guidelines, 2015. Collection method: clinical testing. Allele origin: germline. Affected: no.

Labcorp Genetics (formerly Invitae), Labcorp
Classification: Pathogenic for Fabry disease. Last evaluated: 2019-09-27. Review status: criteria provided, single submitter. Criteria: Invitae Variant Classification Sherloc (09022015). Collection method: clinical testing. Allele origin: germline.
Comment: This sequence change creates a premature translational stop signal (p.Tyr222*) in the GLA gene. It is expected to result in an absent or disrupted protein product. This variant is not present in population databases (ExAC no frequency). For these reasons, this variant has been classified as Pathogenic. Loss-of-function variants in GLA are known to be pathogenic (PMID: 10666480, 12175777). This variant has been observed in a family affected with Fabry disease (PMID: 12694230). ClinVar contains an entry for this variant (Variation ID: 10770).

Eurofins Ntd Llc (ga)
Classification: Pathogenic. Last evaluated: 2017-11-10. Review status: criteria provided, single submitter. Criteria: EGL Classification Definitions 2015. Collection method: clinical testing. Allele origin: germline. Observed: 2 variant alleles, 2 heterozygotes.

OMIM
Classification: Pathogenic for FABRY DISEASE. Last evaluated: 2003-03-01. Review status: no assertion criteria provided. Collection method: literature only. Allele origin: germline. Not counted in ClinVar's aggregate classification.

Literature cited by the submitters: PubMed 12694230 (cited by 3 submitters); PubMed 10666480 (cited by Labcorp Genetics (formerly Invitae), Labcorp); PubMed 12175777 (cited by Labcorp Genetics (formerly Invitae), Labcorp).